The following is an entry in ClinVar:

NM_000540.3(RYR1):c.7444+4C>T

Gene: RYR1 (ryanodine receptor 1; plus strand). Cytogenetic location: 19q13.2.
Variant type: single nucleotide variant.
Coding change: c.7444+4C>T on transcript NM_000540.3 (MANE Select); 4 bases into the intron after coding-DNA position 7444, C replaced by T.
Molecular consequence: intron variant.
Genome position (GRCh38, 1-based): chr19:38,500,730, C>T. VCF-style: chr19-38500730-C-T. GRCh37 (hg19) VCF-style: chr19-38991370-C-T.
Other names: c.7444+4C>T (NM_001042723.2).
Identifiers: ClinVar variation 3385447 (VCV003385447.2).
Genomic context (GRCh38, chr19:38,500,730, plus strand): 5'-TGGAGGACCTTGTGGGCATCATCAGCCTCCCACTGCAGATTCCCACCCTGGGCAAAGGTG[C>T]AGAGGGGATGGAACTTGGCGAAGGAGTGATGCTGGGGAGGGAGCGGCTGGGTCCGCAGGG-3'

ClinVar aggregate classification (germline): Uncertain significance. Review status: criteria provided, multiple submitters, no conflicts (2 of 4 stars). 2 submissions from 2 submitters: Uncertain significance (2). Last evaluated 2024-06-09.

Conditions:
Malignant hyperthermia, susceptibility to, 1 (MHS1). Also called: Anesthesia related hyperthermia; Malignant hyperpyrexia; Fulminating hyperpyrexia; Pharmacogenic myopathy; Malignant hyperthermia suceptibility 1; RYR1-Related Malignant Hyperthermia Susceptibility. Identifiers: Orphanet 423, MedGen C2930980, MONDO:0007783, OMIM 145600.

gnomAD v4.1: 3 of 1,614,126 alleles (0.00019%); highest among the groups gnomAD compares: Non-Finnish European, 0.00025%; no homozygotes.

Submissions (2):

All of Us Research Program, National Institutes of Health
Classification: Uncertain significance for Malignant hyperthermia, susceptibility to, 1. Last evaluated: 2024-06-09. Review status: criteria provided, single submitter. Criteria: ACMG Guidelines, 2015. Collection method: clinical testing. Allele origin: germline. Inheritance: Autosomal dominant inheritance. Observed: 1 variant allele, 1 heterozygote.
Comment: This variant causes a C to T nucleotide substitution at the +4 position of intron 46 of the RYR1 gene. To our knowledge, RNA studies have not been reported for this variant. This variant has not been reported in individuals affected with RYR1-related disorders in the literature. This variant has not been identified in the general population by the Genome Aggregation Database (gnomAD). The available evidence is insufficient to determine the role of this variant in disease conclusively. Therefore, this variant is classified as a Variant of Uncertain Significance.

This study involves interpretation of variants in research participants for the purpose of population health screening. Participant phenotype was not available at the time of variant classification. Additional details can be found in publication PMID: 35346344, PMCID: PMC8962531

Color Diagnostics, LLC DBA Color Health
Classification: Uncertain significance for Malignant hyperthermia, susceptibility to, 1. Last evaluated: 2024-06-05. Review status: criteria provided, single submitter. Criteria: ACMG Guidelines, 2015. Collection method: clinical testing. Allele origin: germline.
Comment: This variant causes a C to T nucleotide substitution at the +4 position of intron 46 of the RYR1 gene. To our knowledge, RNA studies have not been reported for this variant. This variant has not been reported in individuals affected with RYR1-related disorders in the literature. This variant has not been identified in the general population by the Genome Aggregation Database (gnomAD). The available evidence is insufficient to determine the role of this variant in disease conclusively. Therefore, this variant is classified as a Variant of Uncertain Significance.